The following is an entry in ClinVar:

NM_001164508.2(NEB):c.4960C>A (p.His1654Asn)

Gene: NEB (nebulin; minus strand). Cytogenetic location: 2q23.3.
Variant type: single nucleotide variant.
Coding change: c.4960C>A on transcript NM_001164508.2 (MANE Select); coding-DNA position 4960, C replaced by A.
Protein change: p.His1654Asn; replaces histidine 1654 with asparagine.
Molecular consequence: missense variant.
Genome position (GRCh38, 1-based): chr2:151,666,161, G>T on the plus strand (C>A on the coding strand, the complement: NEB is on the minus strand). VCF-style: chr2-151666161-G-T. GRCh37 (hg19) VCF-style: chr2-152522675-G-T.
Other names: c.4960C>A, p.His1654Asn (NM_001164507.2, NM_001271208.2, NM_004543.5); short protein forms H1654N.
Identifiers: ClinVar variation 1433935 (VCV001433935.5), dbSNP rs2154178833, ClinGen allele CA348813190.

ClinVar aggregate classification (germline): Uncertain significance (1 of 4 stars; one submission).

Conditions:
Nemaline myopathy 2 (NEM2). Also called: Nemaline myopathy 2, autosomal recessive. Identifiers: MedGen C1850569, MONDO:0009725, OMIM 256030.

gnomAD v4.1: 2 of 1,613,952 alleles (0.00012%); highest among the groups gnomAD compares: Non-Finnish European, 0.00017%; no homozygotes.

Submission:

Labcorp Genetics (formerly Invitae), Labcorp
Classification: Uncertain significance for Nemaline myopathy 2. Last evaluated: 2021-09-24. Review status: criteria provided, single submitter. Criteria: Invitae Variant Classification Sherloc (09022015). Collection method: clinical testing. Allele origin: germline.
Comment: This sequence change replaces histidine with asparagine at codon 1654 of the NEB protein (p.His1654Asn). The histidine residue is moderately conserved and there is a small physicochemical difference between histidine and asparagine. This variant is not present in population databases (ExAC no frequency). This variant has not been reported in the literature in individuals with NEB-related conditions. Algorithms developed to predict the effect of missense changes on protein structure and function are either unavailable or do not agree on the potential impact of this missense change (SIFT: "Deleterious"; PolyPhen-2: "Not Available"; Align-GVGD: "Class C0"). In summary, the available evidence is currently insufficient to determine the role of this variant in disease. Therefore, it has been classified as a Variant of Uncertain Significance.